The following is an entry in ClinVar:

NM_003410.4(ZFX):c.978G>T (p.Val326=)

Gene: ZFX (zinc finger protein X-linked; plus strand). Cytogenetic location: Xp22.11.
Variant type: single nucleotide variant.
Coding change: c.978G>T on transcript NM_003410.4 (MANE Select); coding-DNA position 978, G replaced by T.
Protein change: p.Val326=; no amino-acid change (valine 326 retained).
Molecular consequence: synonymous variant.
Genome position (GRCh38, 1-based): chrX:24,208,255, G>T. VCF-style: chrX-24208255-G-T. GRCh37 (hg19) VCF-style: chrX-24226372-G-T.
Other names: c.978G>T, p.Val326= (NM_001178084.2, NM_001178085.1, NM_001178095.2); c.291G>T, p.Val97= (NM_001178086.2); c.1095G>T, p.Val365= (NM_001330327.2).
Identifiers: ClinVar variation 2660183 (VCV002660183.24), dbSNP rs754978527, ClinGen allele CA10371089.
Genomic context (GRCh38, chrX:24,208,255, plus strand): 5'-AGTTTTTGTAACTTTCTACTTAGATGTTGCTGAAATCGCTGACGAAGTTTATATGGAAGT[G>T]ATCGTAGGAGAGGAGGATGCTGCAGCAGCAGCGGCAGCCGCCGCCGTGCACGAGCAGCAA-3'
Protein context (NP_003401.2, residues 316-336): AEIADEVYME[Val326=]IVGEEDAAAA

ClinVar aggregate classification (germline): Likely benign (1 of 4 stars; one submission).

Allele frequency attached by ClinVar (database versions not stated): gnomAD exomes below 0.00001; ExAC 0.00001.
gnomAD v4.1: 2 of 1,211,746 alleles (0.00017%); highest among the groups gnomAD compares: Non-Finnish European, 0.00022%; no homozygotes.

Submission:

CeGaT Center for Human Genetics Tuebingen
Classification: Likely benign. Last evaluated: 2022-09-01. Review status: criteria provided, single submitter. Criteria: CeGaT Center For Human Genetics Tuebingen Variant Classification Criteria Version 2. Collection method: clinical testing. Allele origin: germline. Affected: yes. Observed: 1 variant allele.
Comment: ZFX: BP4